The following is an entry in ClinVar:

NM_018297.4(NGLY1):c.1624C>T (p.Arg542Ter)

Gene: NGLY1 (N-glycanase 1; minus strand). Cytogenetic location: 3p24.2.
Variant type: single nucleotide variant.
Coding change: c.1624C>T on transcript NM_018297.4 (MANE Select); coding-DNA position 1624, C replaced by T.
Protein change: p.Arg542Ter; replaces arginine 542 with a stop codon.
Molecular consequence: nonsense. On other transcripts: intron variant (1).
Genome position (GRCh38, 1-based): chr3:25,720,179, G>A on the plus strand (C>T on the coding strand, the complement: NGLY1 is on the minus strand). VCF-style: chr3-25720179-G-A. GRCh37 (hg19) VCF-style: chr3-25761670-G-A.
Other names: c.1570C>T, p.Arg524Ter (NM_001145293.2); c.1498C>T, p.Arg500Ter (NM_001145294.2); c.1612-544C>T (NM_001145295.2); short protein forms R500*, R542*.
Identifiers: ClinVar variation 126424 (VCV000126424.15), dbSNP rs528583612, ClinGen allele CA151138.

ClinVar aggregate classification (germline): Pathogenic/Likely pathogenic. Review status: criteria provided, multiple submitters, no conflicts (2 of 4 stars). 6 submissions from 6 submitters: Pathogenic (4); Likely pathogenic (1). 1 of the submissions does not count toward it. Last evaluated 2025-04-27.

Conditions:
NGLY1-related disorder. Also called: NGLY1-related condition.
Congenital disorder of deglycosylation 1. Also called: NGLY1-Related Congenital Disorder of Deglycosylation; NGLY1-deficiency. Identifiers: Orphanet 404454, MedGen CN306977, MONDO:0800044, OMIM 615273.
Congenital disorder of deglycosylation (CDDG). Identifiers: MedGen C3808991, MONDO:0031376.

Allele frequency attached by ClinVar (database versions not stated): gnomAD 0.00001 and 0.00003; gnomAD exomes 0.00001; ExAC 0.00002; TOPMed 0.00002; 1000 Genomes Project 30x 0.00031; 1000 Genomes Project 0.00040.
gnomAD v4.1: 13 of 1,612,928 alleles (0.00081%); highest among the groups gnomAD compares: East Asian, 0.0045%; no homozygotes.

Submissions (6):

GeneDx
Classification: Pathogenic. Last evaluated: 2025-04-27. Review status: criteria provided, single submitter. Criteria: GeneDx Variant Classification Process June 2021. Collection method: clinical testing. Allele origin: germline. Affected: yes.
Comment: Observed with a pathogenic variant on the opposite allele (in trans) in a patient with features consistent with NGLY1-related congenital disorder of deglycosylation in published literature (described as R524X; PMID: 24651605, 28750948); Nonsense variant predicted to result in protein truncation or nonsense mediated decay in a gene for which loss of function is a known mechanism of disease; Not observed at significant frequency in large population cohorts (gnomAD); This variant is associated with the following publications: (PMID: 30487145, 31957011, 32395402, 34858763, 32071843, 27388694, 28750948, 27567076, 33528536, 24651605)

Labcorp Genetics (formerly Invitae), Labcorp
Classification: Pathogenic for Congenital disorder of deglycosylation. Last evaluated: 2025-02-12. Review status: criteria provided, single submitter. Criteria: Invitae Variant Classification Sherloc (09022015). Collection method: clinical testing. Allele origin: germline.
Comment: This sequence change creates a premature translational stop signal (p.Arg542*) in the NGLY1 gene. It is expected to result in an absent or disrupted protein product. Loss-of-function variants in NGLY1 are known to be pathogenic (PMID: 24651605). This variant is present in population databases (rs528583612, gnomAD 0.01%). This premature translational stop signal has been observed in individual(s) with NGLY1 deficiency (PMID: 24651605). ClinVar contains an entry for this variant (Variation ID: 126424). Algorithms developed to predict the effect of sequence changes on RNA splicing suggest that this variant may disrupt the consensus splice site. For these reasons, this variant has been classified as Pathogenic.

Fulgent Genetics
Classification: Pathogenic for Congenital disorder of deglycosylation 1. Last evaluated: 2024-03-31. Review status: criteria provided, single submitter. Criteria: ACMG Guidelines, 2015. Collection method: clinical testing. Allele origin: germline.

Blueprint Genetics
Classification: Likely pathogenic for NGLY1-related disorders. Last evaluated: 2020-03-02. Review status: criteria provided, single submitter. Criteria: ACMG Guidelines, 2015. Collection method: clinical testing. Allele origin: germline. Affected: yes. Observed: 1 variant allele.

Juno Genomics, Hangzhou Juno Genomics, Inc
Classification: Pathogenic for Congenital disorder of deglycosylation 1. Review status: criteria provided, single submitter. Criteria: ACMG Guidelines, 2015. Collection method: clinical testing. Allele origin: germline.
Comment: Absent from controls (or at extremely low frequency if recessive) in Genome Aggregation Database.;Null variant in a gene where loss of function (LOF) is a known mechanism of disease.;For recessive disorders, detected in trans with a pathogenic variant.;Patient's phenotype or family history is highly specific for a disease with a single genetic etiology.

OMIM
Classification: Pathogenic for CONGENITAL DISORDER OF DEGLYCOSYLATION 1. Last evaluated: 2014-03-20. Review status: no assertion criteria provided. Collection method: literature only. Allele origin: germline. Not counted in ClinVar's aggregate classification.

Literature cited by the submitters: PubMed 24651605 (cited by Labcorp Genetics (formerly Invitae), Labcorp and OMIM).